The following is an entry in ClinVar:

ClinVar aggregate classification (germline): Uncertain significance. Review status: criteria provided, single submitter (1 of 4 stars). 3 submissions from 3 submitters: Uncertain significance (1). 2 of the submissions do not count toward it. Last evaluated 2024-01-13.

Conditions:
Nonsyndromic otitis media. Identifiers: MedGen CN233179.
Otitis media, susceptibility to (OMS). Also called: COME/ROM; OTITIS MEDIA, CHRONIC/RECURRENT. Identifiers: MedGen C1833692, MONDO:0008162, OMIM 166760.

Submissions (3):

Labcorp Genetics (formerly Invitae), Labcorp
Classification: Uncertain significance. Last evaluated: 2024-01-13. Review status: criteria provided, single submitter. Criteria: Invitae Variant Classification Sherloc (09022015). Collection method: clinical testing. Allele origin: germline.
Comment: This sequence change creates a premature translational stop signal (p.Ser829Trpfs*9) in the A2ML1 gene. It is expected to result in an absent or disrupted protein product. However, the current clinical and genetic evidence is not sufficient to establish whether loss-of-function variants in A2ML1 cause disease. This variant is not present in population databases (gnomAD no frequency). This premature translational stop signal has been observed in individual(s) with otitis media (PMID: 26121085). ClinVar contains an entry for this variant (Variation ID: 217306). Algorithms developed to predict the effect of sequence changes on RNA splicing suggest that this variant may disrupt the consensus splice site. In summary, the available evidence is currently insufficient to determine the role of this variant in disease. Therefore, it has been classified as a Variant of Uncertain Significance.

OMIM
Classification: risk factor for OTITIS MEDIA, SUSCEPTIBILITY TO. Last evaluated: 2018-07-06. Review status: no assertion criteria provided. Collection method: literature only. Allele origin: germline. Not counted in ClinVar's aggregate classification.

Department of Molecular and Human Genetics, Baylor College of Medicine
Classification: Pathogenic for Nonsyndromic otitis media. Last evaluated: 2014-05-28. Review status: no assertion criteria provided. Collection method: research. Allele origin: germline. Affected: yes. Not counted in ClinVar's aggregate classification.

Literature cited by the submitters: PubMed 26121085 (cited by Labcorp Genetics (formerly Invitae), Labcorp and Department of Molecular and Human Genetics, Baylor College of Medicine); PubMed 27484237 (cited by OMIM); PubMed 24824130 (cited by Department of Molecular and Human Genetics, Baylor College of Medicine).

NM_144670.6(A2ML1):c.2478_2485dup (p.Ser829fs)

Gene: A2ML1 (alpha-2-macroglobulin like 1; plus strand). Cytogenetic location: 12p13.31.
Variant type: Duplication.
Coding change: c.2478_2485dup on transcript NM_144670.6 (MANE Select); coding-DNA positions 2478 to 2485, 8 bases duplicated (GGCTAAAT; older notation c.2478_2485dupGGCTAAAT).
Protein change: p.Ser829fs; shifts the reading frame from serine 829.
Molecular consequence: frameshift variant.
Genome position (GRCh38, 1-based): chr12:8,852,224-8,852,231, GGCTAAAT duplicated; duplicating any 8 consecutive bases within chr12:8,852,223-8,852,231 gives the same sequence; the c. name uses the placement nearest the transcript's 3' end. VCF-style (leftmost placement, unchanged base first): chr12-8852222-C-CTGGCTAAA. GRCh37 (hg19) VCF-style: chr12-9004818-C-CTGGCTAAA.
Other names: A2ML1, 8-BP DUP, NT2478; c.1005_1012dup, p.Ser338fs (NM_001282424.3); short protein forms S829fs, S338fs.
Identifiers: ClinVar variation 217306 (VCV000217306.4), dbSNP rs863224951, ClinGen allele CA279141.
Genomic context (GRCh38, chr12:8,852,222, plus strand): 5'-CACTACCTCCTTTGTTTGTACCCTTTGTCTCTTAAACATCCTCCGTAGGTTCAGACTGAC[C>CTGGCTAAA]TGGCTAAATCGCATGAGTACCAGCTAGAATCATGGGCAGATTCTCAGACCTCCAGTTGTC-3'